The following is an entry in ClinVar:

ClinVar aggregate classification (germline): Uncertain significance (1 of 4 stars; one submission).

Conditions:
Hereditary cancer-predisposing syndrome. Also called: Neoplastic Syndromes, Hereditary; Tumor predisposition; Hereditary Cancer Syndrome; Hereditary neoplastic syndrome. Identifiers: Orphanet 140162, MedGen C0027672, MeSH D009386, MONDO:0015356.

Submission:

Ambry Genetics
Classification: Uncertain significance for Hereditary cancer-predisposing syndrome. Last evaluated: 2021-07-03. Review status: criteria provided, single submitter. Criteria: Ambry Variant Classification Scheme 2023. Collection method: clinical testing. Allele origin: germline.
Comment: The p.V221G variant (also known as c.662T>G), located in coding exon 1 of the AXIN2 gene, results from a T to G substitution at nucleotide position 662. The valine at codon 221 is replaced by glycine, an amino acid with dissimilar properties. This amino acid position is conserved. In addition, the in silico prediction for this alteration is inconclusive. Since supporting evidence is limited at this time, the clinical significance of this alteration remains unclear.

NM_004655.4(AXIN2):c.662T>G (p.Val221Gly)

Gene: AXIN2 (axin 2; minus strand). Cytogenetic location: 17q24.1.
Variant type: single nucleotide variant.
Coding change: c.662T>G on transcript NM_004655.4 (MANE Select); coding-DNA position 662, T replaced by G.
Protein change: p.Val221Gly; replaces valine 221 with glycine.
Molecular consequence: missense variant.
Genome position (GRCh38, 1-based): chr17:65,557,959, A>C on the plus strand (T>G on the coding strand, the complement: AXIN2 is on the minus strand). VCF-style: chr17-65557959-A-C. GRCh37 (hg19) VCF-style: chr17-63554077-A-C.
Other names: c.662T>G, p.Val221Gly (NM_001363813.1); short protein forms V221G.
Identifiers: ClinVar variation 1754573 (VCV001754573.2), dbSNP rs2544248438, ClinGen allele CA400680543.